The following is an entry in ClinVar:

NM_152564.5(VPS13B):c.1609del (p.Tyr537fs)

Gene: VPS13B (vacuolar protein sorting 13 homolog B; plus strand). Cytogenetic location: 8q22.2.
Variant type: Deletion.
Coding change: c.1609del on transcript NM_152564.5 (MANE Select); coding-DNA position 1609, one base deleted (T; older notation c.1609delT).
Protein change: p.Tyr537fs; shifts the reading frame from tyrosine 537.
Molecular consequence: frameshift variant.
Genome position (GRCh38, 1-based): chr8:99,136,710, T deleted; the last of 5 consecutive T bases (chr8:99,136,706-99,136,710); deleting any one gives the same sequence. VCF-style (leftmost placement, unchanged base first): chr8-99136705-CT-C. GRCh37 (hg19) VCF-style: chr8-100148933-CT-C.
Other names: c.1609del, p.Tyr537fs (NM_015243.3, NM_017890.5); short protein forms Y537fs.
Identifiers: ClinVar variation 3257567 (VCV003257567.17).
Genomic context (GRCh38, chr8:99,136,705, plus strand): 5'-TTGCATTGCTTTGTTGGCAGGAGACATACACTGAGATAGCTGGAATGCAACGGTTTGGGG[CT>C]TTTTATATGGATTACCTGTATACAATGGAGAACACTAGTGGCAAAGGTATTGGCTTCTTT-3'

ClinVar aggregate classification (germline): Pathogenic (1 of 4 stars; one submission).

Submission:

CeGaT Center for Human Genetics Tuebingen
Classification: Pathogenic. Last evaluated: 2024-07-01. Review status: criteria provided, single submitter. Criteria: CeGaT Center For Human Genetics Tuebingen Variant Classification Criteria Version 2. Collection method: clinical testing. Allele origin: germline. Affected: yes. Observed: 1 variant allele.
Comment: VPS13B: PVS1, PM2, PM3